The following is an entry in ClinVar:

NM_001164277.2(SLC37A4):c.229C>T (p.Arg77Cys)

Gene: SLC37A4 (solute carrier family 37 member 4; minus strand). Cytogenetic location: 11q23.3.
Variant type: single nucleotide variant.
Coding change: c.229C>T on transcript NM_001164277.2 (MANE Select); coding-DNA position 229, C replaced by T.
Protein change: p.Arg77Cys; replaces arginine 77 with cysteine.
Molecular consequence: missense variant.
Genome position (GRCh38, 1-based): chr11:119,028,346, G>A on the plus strand (C>T on the coding strand, the complement: SLC37A4 is on the minus strand). VCF-style: chr11-119028346-G-A. GRCh37 (hg19) VCF-style: chr11-118899056-G-A.
Other names: c.229C>T, p.Arg77Cys (NM_001164278.2, NM_001164280.2, NM_001467.6); c.10C>T, p.Arg4Cys (NM_001164279.2); short protein forms R77C, R4C.
Identifiers: ClinVar variation 2155284 (VCV002155284.1), dbSNP rs1417623185, ClinGen allele CA382905858.

ClinVar aggregate classification (germline): Uncertain significance (1 of 4 stars; one submission).

Conditions:
Glucose-6-phosphate transport defect (GSD1B). Also called: GSD Ib; Glycogen Storage Disease Type Ib. Identifiers: Orphanet 364, Orphanet 79259, MedGen C0268146, MONDO:0009288, OMIM 232220.

Allele frequency attached by ClinVar (database versions not stated): TOPMed 0.00001.

Submission:

Labcorp Genetics (formerly Invitae), Labcorp
Classification: Uncertain significance for Glucose-6-phosphate transport defect. Last evaluated: 2022-04-04. Review status: criteria provided, single submitter. Criteria: Invitae Variant Classification Sherloc (09022015). Collection method: clinical testing. Allele origin: germline.
Comment: This sequence change replaces arginine, which is basic and polar, with cysteine, which is neutral and slightly polar, at codon 77 of the SLC37A4 protein (p.Arg77Cys). The frequency data for this variant in the population databases is considered unreliable, as metrics indicate poor data quality at this position in the gnomAD database. This variant has not been reported in the literature in individuals affected with SLC37A4-related conditions. Experimental studies and prediction algorithms are not available or were not evaluated, and the effect of this variant on mRNA splicing is currently unknown. In summary, the available evidence is currently insufficient to determine the role of this variant in disease. Therefore, it has been classified as a Variant of Uncertain Significance.